The following is an entry in ClinVar:

ClinVar aggregate classification (germline): Uncertain significance (1 of 4 stars; one submission).

Submission:

Labcorp Genetics (formerly Invitae), Labcorp
Classification: Uncertain significance. Last evaluated: 2025-06-12. Review status: criteria provided, single submitter. Criteria: Invitae Variant Classification Sherloc (09022015). Collection method: clinical testing. Allele origin: germline.
Comment: This sequence change replaces methionine, which is neutral and non-polar, with isoleucine, which is neutral and non-polar, at codon 1274 of the ROBO1 protein (p.Met1274Ile). This variant is present in population databases (rs138185753, gnomAD 0.04%). This missense change has been observed in individual(s) with ectopic posterior pituitary gland (PMID: 36042976). Invitae Evidence Modeling of protein sequence and biophysical properties (such as structural, functional, and spatial information, amino acid conservation, physicochemical variation, residue mobility, and thermodynamic stability) indicates that this missense variant is not expected to disrupt ROBO1 protein function with a negative predictive value of 95%. In summary, the available evidence is currently insufficient to determine the role of this variant in disease. Therefore, it has been classified as a Variant of Uncertain Significance.

Literature cited by the submitters: PubMed 36042976.

NM_002941.4(ROBO1):c.3822G>A (p.Met1274Ile)

Gene: ROBO1 (roundabout guidance receptor 1; minus strand). Cytogenetic location: 3p12.3.
Variant type: single nucleotide variant.
Coding change: c.3822G>A on transcript NM_002941.4 (MANE Select); coding-DNA position 3822, G replaced by A.
Protein change: p.Met1274Ile; replaces methionine 1274 with isoleucine.
Molecular consequence: missense variant.
Genome position (GRCh38, 1-based): chr3:78,627,374, C>T on the plus strand (G>A on the coding strand, the complement: ROBO1 is on the minus strand). VCF-style: chr3-78627374-C-T. GRCh37 (hg19) VCF-style: chr3-78676524-C-T.
Other names: c.3522G>A, p.Met1174Ile (NM_001145845.2); c.3687G>A, p.Met1229Ile (NM_133631.4); short protein forms M1174I, M1229I, M1274I.
Identifiers: ClinVar variation 4797358 (VCV004797358.1).